The following is an entry in ClinVar:

NM_001048174.2(MUTYH):c.595G>C (p.Ala199Pro)

Gene: MUTYH (mutY DNA glycosylase; minus strand). Cytogenetic location: 1p34.1.
Variant type: single nucleotide variant.
Coding change: c.595G>C on transcript NM_001048174.2 (MANE Select); coding-DNA position 595, G replaced by C.
Protein change: p.Ala199Pro; replaces alanine 199 with proline.
Molecular consequence: missense variant. On other transcripts: non-coding transcript variant (7).
Genome position (GRCh38, 1-based): chr1:45,332,585, C>G on the plus strand (G>C on the coding strand, the complement: MUTYH is on the minus strand). VCF-style: chr1-45332585-C-G. GRCh37 (hg19) VCF-style: chr1-45798257-C-G.
Other names: c.595G>C, p.Ala199Pro (NM_001048171.2, NM_001048173.2, NM_001293195.2 and 6 more transcripts); c.598G>C, p.Ala200Pro (NM_001048172.2, NM_001407086.1, NM_001407071.1 and 1 more transcripts); c.679G>C, p.Ala227Pro (NM_001128425.2); c.640G>C, p.Ala214Pro (NM_001293190.2); c.628G>C, p.Ala210Pro (NM_001293191.2, NM_001407069.1, NM_001407077.1); c.319G>C, p.Ala107Pro (NM_001293192.2, NM_001293196.2, NM_001407091.1); c.250G>C, p.Ala84Pro (NM_001350650.2, NM_001350651.2, NM_001407082.1); c.637G>C, p.Ala213Pro (NM_001407083.1, NM_001407085.1); and 5 more; short protein forms A171P, A214P, A107P, A199P, A200P, A224P, A84P, A185P.
Identifiers: ClinVar variation 4717405 (VCV004717405.1).

ClinVar aggregate classification (germline): Uncertain significance (1 of 4 stars; one submission).

Conditions:
Familial adenomatous polyposis 2. Also called: FAP type 2; COLORECTAL ADENOMATOUS POLYPOSIS, AUTOSOMAL RECESSIVE; ADENOMAS, MULTIPLE COLORECTAL, AUTOSOMAL RECESSIVE; MYH-associated polyposis; MUTYH Polyposis; Adenomas, multiple colorectal. Identifiers: Orphanet 220460, Orphanet 247798, MedGen C3272841, MONDO:0012041, OMIM 608456.

Submission:

Labcorp Genetics (formerly Invitae), Labcorp
Classification: Uncertain significance for Familial adenomatous polyposis 2. Last evaluated: 2025-04-13. Review status: criteria provided, single submitter. Criteria: Invitae Variant Classification Sherloc (09022015). Collection method: clinical testing. Allele origin: germline.
Comment: This sequence change replaces alanine, which is neutral and non-polar, with proline, which is neutral and non-polar, at codon 227 of the MUTYH protein (p.Ala227Pro). This variant is not present in population databases (gnomAD no frequency). This variant has not been reported in the literature in individuals affected with MUTYH-related conditions. An algorithm developed to predict the effect of missense changes on protein structure and function (PolyPhen-2) suggests that this variant is likely to be disruptive. Algorithms developed to predict the effect of sequence changes on RNA splicing suggest that this variant may disrupt the consensus splice site. In summary, the available evidence is currently insufficient to determine the role of this variant in disease. Therefore, it has been classified as a Variant of Uncertain Significance.